The following is an entry in ClinVar:

ClinVar aggregate classification (germline): Pathogenic (1 of 4 stars; one submission).

Submission:

Labcorp Genetics (formerly Invitae), Labcorp
Classification: Pathogenic. Last evaluated: 2024-02-05. Review status: criteria provided, single submitter. Criteria: Invitae Variant Classification Sherloc (09022015). Collection method: clinical testing. Allele origin: germline.
Comment: This sequence change creates a premature translational stop signal (p.Lys595*) in the LZTR1 gene. It is expected to result in an absent or disrupted protein product. Loss-of-function variants in LZTR1 are known to be pathogenic (PMID: 24362817, 25335493, 25480913, 25795793, 29469822, 30368668, 30442762, 30442766, 30481304, 30859559). This variant is not present in population databases (gnomAD no frequency). This variant has not been reported in the literature in individuals affected with LZTR1-related conditions. Algorithms developed to predict the effect of sequence changes on RNA splicing suggest that this variant may disrupt the consensus splice site. For these reasons, this variant has been classified as Pathogenic.

Literature cited by the submitters: PubMed 24362817; PubMed 25335493; PubMed 25480913; PubMed 25795793; PubMed 29469822; PubMed 30368668; PubMed 30442762; PubMed 30442766; PubMed 30481304; PubMed 30859559.

NM_006767.4(LZTR1):c.1783A>T (p.Lys595Ter)

Gene: LZTR1 (leucine zipper like post translational regulator 1; plus strand). Cytogenetic location: 22q11.21.
Variant type: single nucleotide variant.
Coding change: c.1783A>T on transcript NM_006767.4 (MANE Select); coding-DNA position 1783, A replaced by T.
Protein change: p.Lys595Ter; replaces lysine 595 with a stop codon.
Molecular consequence: nonsense.
Genome position (GRCh38, 1-based): chr22:20,994,725, A>T. VCF-style: chr22-20994725-A-T. GRCh37 (hg19) VCF-style: chr22-21349014-A-T.
Other names: short protein forms K595*.
Identifiers: ClinVar variation 3615292 (VCV003615292.2).